The following is an entry in ClinVar:

ClinVar aggregate classification (germline): Uncertain significance (1 of 4 stars; one submission).

gnomAD v4.1: 5 of 1,611,894 alleles (0.00031%); highest among the groups gnomAD compares: South Asian, 0.0055%; no homozygotes.

Submission:

GeneDx
Classification: Uncertain significance. Last evaluated: 2024-11-13. Review status: criteria provided, single submitter. Criteria: GeneDx Variant Classification Process June 2021. Collection method: clinical testing. Allele origin: germline. Affected: yes.
Comment: Not observed at significant frequency in large population cohorts (gnomAD); Has not been previously published as pathogenic or benign to our knowledge; Reported using an alternate transcript of the gene; Nonsense variant predicted to result in protein truncation or nonsense mediated decay in an alternate transcript of a gene for which loss-of-function is not an established mechanism of disease

NM_000093.5(COL5A1):c.5136+104G>A

Genes: COL5A1 (collagen type V alpha 1 chain; plus strand), LOC101448202 (uncharacterized LOC101448202; minus strand). Cytogenetic location: 9q34.3.
Variant type: single nucleotide variant.
Coding change: c.5136+104G>A on transcript NM_000093.5 (MANE Select); 104 bases into the intron after coding-DNA position 5136, G replaced by A.
Molecular consequence: intron variant. On other transcripts: nonsense (1).
Genome position (GRCh38, 1-based): chr9:134,830,148, G>A. VCF-style: chr9-134830148-G-A. GRCh37 (hg19) VCF-style: chr9-137721994-G-A.
Other names: c.5108G>A, p.Trp1703Ter (NM_001278074.1); short protein forms W1703*.
Identifiers: ClinVar variation 3899628 (VCV003899628.1).
Genomic context (GRCh38, chr9:134,830,148, plus strand): 5'-GCCCATCTCGTATCTTACAGAGTAAAATGGCCCGCTGGCCCAAAGAGCAGCCTTCCACCT[G>A]GTATAGTCAGTACAAGCGGGGGTCCCTGGTAAGTGGCCACCTCGGCCCGGCCACCTCGGC-3'